The following is an entry in ClinVar:

ClinVar aggregate classification (germline): Uncertain significance (1 of 4 stars; one submission).

Conditions:
Baller-Gerold syndrome (BGS). Also called: CRANIOSYNOSTOSIS WITH RADIAL DEFECTS. Identifiers: Orphanet 1225, MedGen C0265308, MONDO:0009039, OMIM 218600.

Submission:

Labcorp Genetics (formerly Invitae), Labcorp
Classification: Uncertain significance for Baller-Gerold syndrome. Last evaluated: 2022-01-08. Review status: criteria provided, single submitter. Criteria: Invitae Variant Classification Sherloc (09022015). Collection method: clinical testing. Allele origin: germline.
Comment: In summary, the available evidence is currently insufficient to determine the role of this variant in disease. Therefore, it has been classified as a Variant of Uncertain Significance. Experimental studies and prediction algorithms are not available or were not evaluated, and the functional significance of this variant is currently unknown. This variant has not been reported in the literature in individuals affected with RECQL4-related conditions. This variant is not present in population databases (gnomAD no frequency). This sequence change replaces arginine, which is basic and polar, with threonine, which is neutral and polar, at codon 329 of the RECQL4 protein (p.Arg329Thr).

NM_004260.4(RECQL4):c.986G>C (p.Arg329Thr)

Gene: RECQL4 (RecQ like helicase 4; minus strand). Cytogenetic location: 8q24.3.
Variant type: single nucleotide variant.
Coding change: c.986G>C on transcript NM_004260.4 (MANE Select); coding-DNA position 986, G replaced by C.
Protein change: p.Arg329Thr; replaces arginine 329 with threonine.
Molecular consequence: missense variant.
Genome position (GRCh38, 1-based): chr8:144,516,133, C>G on the plus strand (G>C on the coding strand, the complement: RECQL4 is on the minus strand). VCF-style: chr8-144516133-C-G. GRCh37 (hg19) VCF-style: chr8-145741517-C-G.
Other names: c.986G>C, p.Arg329Thr (NM_001413018.1, NM_001413019.1, NM_001413033.1 and 2 more transcripts); c.-86G>C (NM_001413021.1, NM_001413022.1, NM_001413023.1 and 7 more transcripts); c.857G>C, p.Arg286Thr (NM_001413025.1); c.-148G>C (NM_001413027.1, NM_001413030.1, NM_001413031.1 and 2 more transcripts); c.635G>C, p.Arg212Thr (NM_001413029.1); c.-355G>C (NM_001413043.1); short protein forms R286T, R329T, R212T.
Identifiers: ClinVar variation 2077788 (VCV002077788.3), dbSNP rs1814915989, ClinGen allele CA372688425.
Genomic context (GRCh38, chr8:144,516,133, plus strand): 5'-TCATGGCGGGCCAGCCGAGGGAAGATGTGCAGGGGGGCTGTGCCCTCAGCCTTCCCAGCC[C>G]TAGCTTGACTGGAGGGGCTGAGTCCGTGGTACCTGGGGTTCGATGGGCTGCTGCAGGGCT-3'
Protein context (NP_004251.4, residues 319-339): YHGLSPSSQA[Arg329Thr]AGKAEGTAPL